The following is an entry in ClinVar:

NM_004526.4(MCM2):c.2485_2487del (p.Asn829del)

Genes: MCM2 (minichromosome maintenance complex component 2; plus strand), LOC107986126 (uncharacterized LOC107986126; minus strand). Cytogenetic location: 3q21.3.
Variant type: Deletion.
Coding change: c.2485_2487del on transcript NM_004526.4 (MANE Select); coding-DNA positions 2485 to 2487, 3 bases deleted (AAT; older notation c.2485_2487delAAT).
Protein change: p.Asn829del; deletes asparagine 829.
Molecular consequence: inframe deletion. On other transcripts: non-coding transcript variant (1).
Genome position (GRCh38, 1-based): chr3:127,621,109-127,621,111, AAT deleted. VCF-style (leftmost placement, unchanged base first): chr3-127621108-CAAT-C. GRCh37 (hg19) VCF-style: chr3-127339951-CAAT-C.
Other names: c.2485_2487delAAT (NM_004526.3); short protein forms N829del.
Identifiers: ClinVar variation 2911276 (VCV002911276.5), dbSNP rs774812521, ClinGen allele CA2596268.

ClinVar aggregate classification (germline): Uncertain significance. Review status: criteria provided, single submitter (1 of 4 stars). 2 submissions from 2 submitters: Uncertain significance (1). 1 of the submissions does not count toward it. Last evaluated 2025-07-21.

Conditions:
MCM2-related disorder. Also called: MCM2-related condition.

Allele frequency attached by ClinVar (database versions not stated): gnomAD 0.00001; gnomAD exomes 0.00002; ExAC 0.00004; TOPMed 0.00006.

Submissions (2):

Labcorp Genetics (formerly Invitae), Labcorp
Classification: Uncertain significance. Last evaluated: 2025-07-21. Review status: criteria provided, single submitter. Criteria: Invitae Variant Classification Sherloc (09022015). Collection method: clinical testing. Allele origin: germline.
Comment: This variant, c.2485_2487del, results in the deletion of 1 amino acid(s) of the MCM2 protein (p.Asn829del), but otherwise preserves the integrity of the reading frame. This variant is present in population databases (rs774812521, gnomAD 0.03%). This variant has not been reported in the literature in individuals affected with MCM2-related conditions. ClinVar contains an entry for this variant (Variation ID: 2911276). Experimental studies and prediction algorithms are not available or were not evaluated, and the functional significance of this variant is currently unknown. In summary, the available evidence is currently insufficient to determine the role of this variant in disease. Therefore, it has been classified as a Variant of Uncertain Significance.

PreventionGenetics, part of Exact Sciences
Classification: Likely benign for MCM2-related condition. Last evaluated: 2022-09-01. Review status: no assertion criteria provided. Collection method: clinical testing. Allele origin: germline. Not counted in ClinVar's aggregate classification.
Comment: This variant is classified as likely benign based on ACMG/AMP sequence variant interpretation guidelines (Richards et al. 2015 PMID: 25741868, with internal and published modifications).